The following is an entry in ClinVar:

ClinVar aggregate classification (germline): Likely benign. Review status: criteria provided, multiple submitters, no conflicts (2 of 4 stars). 2 submissions from 2 submitters: Likely benign (2). Last evaluated 2025-05-08.

Conditions:
ELP1-related disorder. Also called: ELP1-related condition.

Allele frequency attached by ClinVar (database versions not stated): gnomAD 0.00001; ExAC 0.00002; gnomAD exomes 0.00002 and 0.00003.
gnomAD v4.1: 41 of 1,614,036 alleles (0.0025%); highest among the groups gnomAD compares: Non-Finnish European, 0.0027%; no homozygotes.

Submissions (2):

PreventionGenetics, part of Exact Sciences
Classification: Likely benign for ELP1-related condition. Last evaluated: 2025-05-08. Review status: criteria provided, single submitter. Criteria: ACMG Guidelines, 2015. Collection method: clinical testing. Allele origin: germline.
Comment: This variant is classified as likely benign based on ACMG/AMP sequence variant interpretation guidelines (Richards et al. 2015 PMID: 25741868, with internal and published modifications).

Labcorp Genetics (formerly Invitae), Labcorp
Classification: Likely benign. Last evaluated: 2023-12-17. Review status: criteria provided, single submitter. Criteria: Invitae Variant Classification Sherloc (09022015). Collection method: clinical testing. Allele origin: germline.

NM_003640.5(ELP1):c.1128G>A (p.Thr376=)

Gene: ELP1 (elongator acetyltransferase complex subunit 1; minus strand). Cytogenetic location: 9q31.3.
Variant type: single nucleotide variant.
Coding change: c.1128G>A on transcript NM_003640.5 (MANE Select); coding-DNA position 1128, G replaced by A.
Protein change: p.Thr376=; no amino-acid change (threonine 376 retained).
Molecular consequence: synonymous variant.
Genome position (GRCh38, 1-based): chr9:108,912,325, C>T on the plus strand (G>A on the coding strand, the complement: ELP1 is on the minus strand). VCF-style: chr9-108912325-C-T. GRCh37 (hg19) VCF-style: chr9-111674605-C-T.
Other names: c.786G>A, p.Thr262= (NM_001318360.2); c.81G>A, p.Thr27= (NM_001330749.2); c.1128G>A (NM_003640.4).
Identifiers: ClinVar variation 704194 (VCV000704194.11), dbSNP rs781087704, ClinGen allele CA5175115.